The following is an entry in ClinVar:

NM_007227.3(GPR45):c.812T>A (p.Ile271Asn)

Gene: GPR45 (G protein-coupled receptor 45; plus strand). Cytogenetic location: 2q12.1.
Variant type: single nucleotide variant.
Coding change: c.812T>A on transcript NM_007227.3 (MANE Select); coding-DNA position 812, T replaced by A.
Protein change: p.Ile271Asn; replaces isoleucine 271 with asparagine.
Molecular consequence: missense variant.
Genome position (GRCh38, 1-based): chr2:105,242,670, T>A. VCF-style: chr2-105242670-T-A. GRCh37 (hg19) VCF-style: chr2-105859127-T-A.
Other names: short protein forms I271N.
Identifiers: ClinVar variation 2823300 (VCV002823300.3), dbSNP rs772988591, ClinGen allele CA348101278.

ClinVar aggregate classification (germline): Uncertain significance (1 of 4 stars; one submission).

Submission:

Labcorp Genetics (formerly Invitae), Labcorp
Classification: Uncertain significance. Last evaluated: 2022-12-22. Review status: criteria provided, single submitter. Criteria: Invitae Variant Classification Sherloc (09022015). Collection method: clinical testing. Allele origin: germline.
Comment: In summary, the available evidence is currently insufficient to determine the role of this variant in disease. Therefore, it has been classified as a Variant of Uncertain Significance. Algorithms developed to predict the effect of missense changes on protein structure and function (SIFT, PolyPhen-2, Align-GVGD) all suggest that this variant is likely to be disruptive. This variant has not been reported in the literature in individuals affected with GPR45-related conditions. This variant is not present in population databases (gnomAD no frequency). This sequence change replaces isoleucine, which is neutral and non-polar, with asparagine, which is neutral and polar, at codon 271 of the GPR45 protein (p.Ile271Asn).